The following is an entry in ClinVar:

ClinVar aggregate classification (germline): Benign. Review status: criteria provided, multiple submitters, no conflicts (2 of 4 stars). 3 submissions from 2 submitters: Benign (3). Last evaluated 2018-01-12.

Conditions:
Encephalopathy due to GLUT1 deficiency. Also called: Classic Glucose Transporter Type 1 Deficiency Syndrome; GLUCOSE TRANSPORT DEFECT, BLOOD-BRAIN BARRIER; De Vivo disease; Glucose transporter protein syndrome; GLUT1 deficiency syndrome 1, infantile onset, severe; GLUT1 deficiency syndrome 1. Identifiers: Orphanet 71277, MedGen C4551966, MONDO:0011724, OMIM 606777.
Dystonia 9 (DYT9). Also called: CHOREOATHETOSIS, KINESIGENIC, WITH EPISODIC ATAXIA AND SPASTICITY. Identifiers: Orphanet 53583, MedGen C1832855, MONDO:0010983, OMIM 601042.

Allele frequency attached by ClinVar (database versions not stated): gnomAD exomes 0.00034; TOPMed 0.00156; gnomAD 0.00157 and 0.00163; 1000 Genomes Project 0.00200; 1000 Genomes Project 30x 0.00219.
gnomAD v4.1: 260 of 214,738 alleles (0.12%); highest among the groups gnomAD compares: African/African-American, 0.5%; 2 homozygotes.

Submissions (3):

Illumina Laboratory Services, Illumina
Classification: Benign for Dystonia 9. Last evaluated: 2018-01-12. Review status: criteria provided, single submitter. Criteria: ICSL Variant Classification Criteria 13 December 2019. Collection method: clinical testing. Allele origin: germline.
Comment: This variant was observed in the ICSL laboratory as part of a predisposition screen in an ostensibly healthy population. It had not been previously curated by ICSL or reported in the Human Gene Mutation Database (HGMD: prior to June 1st, 2018), and was therefore a candidate for classification through an automated scoring system. Utilizing variant allele frequency, disease prevalence and penetrance estimates, and inheritance mode, an automated score was calculated to assess if this variant is too frequent to cause the disease. Based on the score and internal cut-off values, a variant classified as benign is not then subjected to further curation. The score for this variant resulted in a classification of benign for this disease.

Illumina Laboratory Services, Illumina
Classification: Benign for Encephalopathy due to GLUT1 deficiency. Last evaluated: 2018-01-12. Review status: criteria provided, single submitter. Criteria: ICSL Variant Classification Criteria 13 December 2019. Collection method: clinical testing. Allele origin: germline.
Comment: the same text as in the submission from Illumina Laboratory Services, Illumina above.

Breakthrough Genomics
Classification: Benign. Review status: criteria provided, single submitter. Criteria: ACMG Guidelines, 2015. Collection method: not provided. Allele origin: germline. Inheritance: Autosomal dominant inheritance. Affected: yes.

NM_006516.4(SLC2A1):c.*626G>A

Gene: SLC2A1 (solute carrier family 2 member 1; minus strand). Cytogenetic location: 1p34.2.
Variant type: single nucleotide variant.
Coding change: c.*626G>A on transcript NM_006516.4 (MANE Select); 626 bases downstream of the stop codon, G replaced by A.
Molecular consequence: 3 prime UTR variant.
Genome position (GRCh38, 1-based): chr1:42,926,415, C>T on the plus strand (G>A on the coding strand, the complement: SLC2A1 is on the minus strand). VCF-style: chr1-42926415-C-T. GRCh37 (hg19) VCF-style: chr1-43392086-C-T.
Identifiers: ClinVar variation 297368 (VCV000297368.6), dbSNP rs6413525, ClinGen allele CA10610255.
Genomic context (GRCh38, chr1:42,926,415, plus strand): 5'-TCCCACAGGCCCTCTTCTCATGGTAATAGTGTGGCCCTCAGTGCAAAGGAGACTAGAACC[C>T]GGCAGCCCAGACTGGCCCTTCCCCTCTCCTCCCTGCACTCCAGTGCTCCCAACTGGTCTC-3'